The following is an entry in ClinVar:

NM_022367.4(SEMA4A):c.1122_1123dup (p.Arg375fs)

Gene: SEMA4A (semaphorin 4A; plus strand). Cytogenetic location: 1q22.
Variant type: Duplication.
Coding change: c.1122_1123dup on transcript NM_022367.4 (MANE Select); coding-DNA positions 1122 to 1123, 2 bases duplicated (CC; older notation c.1122_1123dupCC).
Protein change: p.Arg375fs; shifts the reading frame from arginine 375.
Molecular consequence: frameshift variant.
Genome position (GRCh38, 1-based): chr1:156,163,082-156,163,083, CC duplicated; duplicating any 2 consecutive bases within chr1:156,163,079-156,163,083 gives the same sequence; the c. name uses the placement nearest the transcript's 3' end. VCF-style (leftmost placement, unchanged base first): chr1-156163078-A-ACC. GRCh37 (hg19) VCF-style: chr1-156132869-A-ACC.
Other names: c.1122_1123dup, p.Arg375fs (NM_001193300.2, NM_001193301.2, NM_001370567.1); c.726_727dup, p.Arg243fs (NM_001193302.2); c.825_826dup, p.Arg276fs (NM_001370568.1); c.615_616dup, p.Arg206fs (NM_001370569.1, NM_001370571.1); short protein forms R206fs, R276fs, R243fs, R375fs.
Identifiers: ClinVar variation 865853 (VCV000865853.4), dbSNP rs760609808, ClinGen allele CA916082089.

ClinVar aggregate classification (germline): Conflicting classifications of pathogenicity. Review status: criteria provided, conflicting classifications (1 of 4 stars). 2 submissions from 2 submitters: Likely pathogenic (1); Uncertain significance (1). Last evaluated 2024-07-23.

Conditions:
SEMA4A-related disorder. Also called: SEMA4A-related condition.

Submissions (2):

Labcorp Genetics (formerly Invitae), Labcorp
Classification: Uncertain significance. Last evaluated: 2024-07-23. Review status: criteria provided, single submitter. Criteria: Invitae Variant Classification Sherloc (09022015). Collection method: clinical testing. Allele origin: germline.
Comment: This sequence change creates a premature translational stop signal (p.Arg375Profs*16) in the SEMA4A gene. It is expected to result in an absent or disrupted protein product. However, the current clinical and genetic evidence is not sufficient to establish whether loss-of-function variants in SEMA4A cause disease. This variant is not present in population databases (gnomAD no frequency). This variant has not been reported in the literature in individuals affected with SEMA4A-related conditions. ClinVar contains an entry for this variant (Variation ID: 865853). In summary, the available evidence is currently insufficient to determine the role of this variant in disease. Therefore, it has been classified as a Variant of Uncertain Significance.

Blueprint Genetics
Classification: Likely pathogenic for SEMA4A-related disorders. Last evaluated: 2019-01-13. Review status: criteria provided, single submitter. Criteria: ACMG Guidelines, 2015. Collection method: clinical testing. Allele origin: germline. Affected: yes. Observed: 1 variant allele.